The following is an entry in ClinVar:

ClinVar aggregate classification (germline): Uncertain significance (1 of 4 stars; one submission).

Allele frequency attached by ClinVar (database versions not stated): ExAC 0.00001; gnomAD 0.00001; TOPMed 0.00001.
gnomAD v4.1: 30 of 1,610,340 alleles (0.0019%); highest among the groups gnomAD compares: Non-Finnish European, 0.0025%; no homozygotes.

Submission:

Labcorp Genetics (formerly Invitae), Labcorp
Classification: Uncertain significance. Last evaluated: 2023-03-29. Review status: criteria provided, single submitter. Criteria: Invitae Variant Classification Sherloc (09022015). Collection method: clinical testing. Allele origin: germline.
Comment: In summary, the available evidence is currently insufficient to determine the role of this variant in disease. Therefore, it has been classified as a Variant of Uncertain Significance. Advanced modeling of protein sequence and biophysical properties (such as structural, functional, and spatial information, amino acid conservation, physicochemical variation, residue mobility, and thermodynamic stability) performed at Invitae indicates that this missense variant is not expected to disrupt FAT4 protein function. This variant has not been reported in the literature in individuals affected with FAT4-related conditions. This variant is present in population databases (rs772205964, gnomAD 0.002%). This sequence change replaces proline, which is neutral and non-polar, with alanine, which is neutral and non-polar, at codon 1719 of the FAT4 protein (p.Pro1719Ala).

NM_001291303.3(FAT4):c.5155C>G (p.Pro1719Ala)

Gene: FAT4 (FAT atypical cadherin 4; plus strand). Cytogenetic location: 4q28.1.
Variant type: single nucleotide variant.
Coding change: c.5155C>G on transcript NM_001291303.3 (MANE Select); coding-DNA position 5155, C replaced by G.
Protein change: p.Pro1719Ala; replaces proline 1719 with alanine.
Molecular consequence: missense variant.
Genome position (GRCh38, 1-based): chr4:125,321,566, C>G. VCF-style: chr4-125321566-C-G. GRCh37 (hg19) VCF-style: chr4-126242721-C-G.
Other names: c.5155C>G, p.Pro1719Ala (NM_001291285.3, NM_024582.6); short protein forms P1719A.
Identifiers: ClinVar variation 2994664 (VCV002994664.1), dbSNP rs772205964, ClinGen allele CA3072582.
Genomic context (GRCh38, chr4:125,321,566, plus strand): 5'-GAGCAAGGAGCATGTCTTTACCTGGTGGATGTTTATGCCATAGAAAAATCAACTGCTTTT[C>G]CCAGAACACAGAGAGCAGAGGTAATGATTTTGTAGTCATTTATTATTTGTTGATTTGCTT-3'
Protein context (NP_001278232.1, residues 1709-1729): VYAIEKSTAF[Pro1719Ala]RTQRAEVEIT